The following is an entry in ClinVar:

NM_001291746.2(REL):c.754G>A (p.Ala252Thr)

Gene: REL (REL proto-oncogene, NF-kB subunit; plus strand). Cytogenetic location: 2p16.1.
Variant type: single nucleotide variant.
Coding change: c.754G>A on transcript NM_001291746.2 (MANE Select); coding-DNA position 754, G replaced by A.
Protein change: p.Ala252Thr; replaces alanine 252 with threonine.
Molecular consequence: missense variant.
Genome position (GRCh38, 1-based): chr2:60,918,507, G>A. VCF-style: chr2-60918507-G-A. GRCh37 (hg19) VCF-style: chr2-61145642-G-A.
Other names: c.754G>A, p.Ala252Thr (NM_002908.4); short protein forms A252T.
Identifiers: ClinVar variation 2013200 (VCV002013200.1), dbSNP rs373603215, ClinGen allele CA1672300.

ClinVar aggregate classification (germline): Uncertain significance (1 of 4 stars; one submission).

Allele frequency attached by ClinVar (database versions not stated): gnomAD 0.00001; gnomAD exomes below 0.00001; ExAC 0.00001; TOPMed 0.00001; ESP Exome Variant Server 0.00008.
gnomAD v4.1: 3 of 1,613,938 alleles (0.00019%); highest among the groups gnomAD compares: African/African-American, 0.0027%; no homozygotes.

Submission:

Labcorp Genetics (formerly Invitae), Labcorp
Classification: Uncertain significance. Last evaluated: 2022-05-26. Review status: criteria provided, single submitter. Criteria: Invitae Variant Classification Sherloc (09022015). Collection method: clinical testing. Allele origin: germline.
Comment: This sequence change replaces alanine, which is neutral and non-polar, with threonine, which is neutral and polar, at codon 252 of the REL protein (p.Ala252Thr). This variant is present in population databases (rs373603215, gnomAD 0.007%). This variant has not been reported in the literature in individuals affected with REL-related conditions. Algorithms developed to predict the effect of missense changes on protein structure and function output the following: SIFT: "Tolerated"; PolyPhen-2: "Possibly Damaging"; Align-GVGD: "Class C0". The threonine amino acid residue is found in multiple mammalian species, which suggests that this missense change does not adversely affect protein function. In summary, the available evidence is currently insufficient to determine the role of this variant in disease. Therefore, it has been classified as a Variant of Uncertain Significance.